The following is an entry in ClinVar:

NM_000257.4(MYH7):c.3290A>C (p.Glu1097Ala)

Gene: MYH7 (myosin heavy chain 7; minus strand). Cytogenetic location: 14q11.2.
Variant type: single nucleotide variant.
Coding change: c.3290A>C on transcript NM_000257.4 (MANE Select); coding-DNA position 3290, A replaced by C.
Protein change: p.Glu1097Ala; replaces glutamic acid 1097 with alanine.
Molecular consequence: missense variant.
Genome position (GRCh38, 1-based): chr14:23,421,004, T>G on the plus strand (A>C on the coding strand, the complement: MYH7 is on the minus strand). VCF-style: chr14-23421004-T-G. GRCh37 (hg19) VCF-style: chr14-23890213-T-G.
Other names: c.3290A>C, p.Glu1097Ala (NM_001407004.1); short protein forms E1097A.
Identifiers: ClinVar variation 3636022 (VCV003636022.2).

ClinVar aggregate classification (germline): Uncertain significance (1 of 4 stars; one submission).

Conditions:
Hypertrophic cardiomyopathy. Also called: HYPERTROPHIC MYOCARDIOPATHY. Identifiers: Orphanet 217569, MedGen C0007194, MeSH D002312, MONDO:0005045, HP:0001639.

Submission:

Labcorp Genetics (formerly Invitae), Labcorp
Classification: Uncertain significance for Hypertrophic cardiomyopathy. Last evaluated: 2024-06-08. Review status: criteria provided, single submitter. Criteria: Invitae Variant Classification Sherloc (09022015). Collection method: clinical testing. Allele origin: germline.
Comment: This sequence change replaces glutamic acid, which is acidic and polar, with alanine, which is neutral and non-polar, at codon 1097 of the MYH7 protein (p.Glu1097Ala). This variant is not present in population databases (gnomAD no frequency). This variant has not been reported in the literature in individuals affected with MYH7-related conditions. Advanced modeling of protein sequence and biophysical properties (such as structural, functional, and spatial information, amino acid conservation, physicochemical variation, residue mobility, and thermodynamic stability) performed at Invitae indicates that this missense variant is expected to disrupt MYH7 protein function with a positive predictive value of 95%. In summary, the available evidence is currently insufficient to determine the role of this variant in disease. Therefore, it has been classified as a Variant of Uncertain Significance.